The following is an entry in ClinVar:

ClinVar aggregate classification (germline): Likely benign (0 of 4 stars; one submission).

Conditions:
HK2-related disorder. Also called: HK2-related condition.

Allele frequency attached by ClinVar (database versions not stated): ESP Exome Variant Server 0.00023; ExAC 0.00135; gnomAD 0.00138; 1000 Genomes Project 30x 0.00094; TOPMed 0.00169; gnomAD exomes 0.00180; 1000 Genomes Project 0.00100.

Submission:

PreventionGenetics, part of Exact Sciences
Classification: Likely benign for HK2-related condition. Last evaluated: 2019-08-29. Review status: no assertion criteria provided. Collection method: clinical testing. Allele origin: germline.
Comment: This variant is classified as likely benign based on ACMG/AMP sequence variant interpretation guidelines (Richards et al. 2015 PMID: 25741868, with internal and published modifications).

NM_000189.5(HK2):c.2207C>T (p.Pro736Leu)

Gene: HK2 (hexokinase 2; plus strand). Cytogenetic location: 2p12.
Variant type: single nucleotide variant.
Coding change: c.2207C>T on transcript NM_000189.5 (MANE Select); coding-DNA position 2207, C replaced by T.
Protein change: p.Pro736Leu; replaces proline 736 with leucine.
Molecular consequence: missense variant.
Genome position (GRCh38, 1-based): chr2:74,886,661, C>T. VCF-style: chr2-74886661-C-T. GRCh37 (hg19) VCF-style: chr2-75113788-C-T.
Other names: c.2123C>T, p.Pro708Leu (NM_001371525.2); short protein forms P708L, P736L.
Identifiers: ClinVar variation 3053482 (VCV003053482.2), dbSNP rs146476722, ClinGen allele CA1731652.
Genomic context (GRCh38, chr2:74,886,661, plus strand): 5'-GATGCCTAGATGACTTCCGCACAGAATTTGATGTGGCTGTGGATGAGCTTTCACTCAACC[C>T]CGGCAAGCAGAGGTAGGCACCCAACTGGGGCCCTGTTAAGTGTATCCCAGGACTGGATGG-3'
Protein context (NP_000180.2, residues 726-746): DVAVDELSLN[Pro736Leu]GKQRFEKMIS